The following is an entry in ClinVar:

ClinVar aggregate classification (germline): Uncertain significance (1 of 4 stars; one submission).

gnomAD v4.1: 1 of 1,612,036 alleles (0.000062%); highest among the groups gnomAD compares: Non-Finnish European, 0.000085%; no homozygotes.

Submission:

GeneDx
Classification: Uncertain significance. Last evaluated: 2025-03-05. Review status: criteria provided, single submitter. Criteria: GeneDx Variant Classification Process June 2021. Collection method: clinical testing. Allele origin: germline.
Comment: Not observed at significant frequency in large population cohorts (gnomAD); In silico analysis indicates that this missense variant does not alter protein structure/function; Has not been previously published as pathogenic or benign to our knowledge

NM_207037.2(TCF12):c.866C>G (p.Thr289Arg)

Gene: TCF12 (transcription factor 12; plus strand). Cytogenetic location: 15q21.3.
Variant type: single nucleotide variant.
Coding change: c.866C>G on transcript NM_207037.2 (MANE Select); coding-DNA position 866, C replaced by G.
Protein change: p.Thr289Arg; replaces threonine 289 with arginine.
Molecular consequence: missense variant.
Genome position (GRCh38, 1-based): chr15:57,232,752, C>G. VCF-style: chr15-57232752-C-G. GRCh37 (hg19) VCF-style: chr15-57524950-C-G.
Other names: c.356C>G, p.Thr119Arg (NM_001306219.3, NM_207040.2); c.158C>G, p.Thr53Arg (NM_001306220.3); c.866C>G, p.Thr289Arg (NM_001322151.2, NM_001322152.2, NM_207036.2 and 7 more transcripts); c.209C>G, p.Thr70Arg (NM_001322154.2); c.692C>G, p.Thr231Arg (NM_001322156.2, NM_001322158.2); c.902C>G, p.Thr301Arg (NM_001322164.2); short protein forms T119R, T231R, T289R, T301R, T53R, T70R.
Identifiers: ClinVar variation 1706131 (VCV001706131.3), dbSNP rs2551445331, ClinGen allele CA392592546.